The following is an entry in ClinVar:

NM_000238.4(KCNH2):c.317T>A (p.Phe106Tyr)

Gene: KCNH2 (potassium voltage-gated channel subfamily H member 2; minus strand). Cytogenetic location: 7q36.1.
Variant type: single nucleotide variant.
Coding change: c.317T>A on transcript NM_000238.4 (MANE Select); coding-DNA position 317, T replaced by A.
Protein change: p.Phe106Tyr; replaces phenylalanine 106 with tyrosine.
Molecular consequence: missense variant.
Genome position (GRCh38, 1-based): chr7:150,959,727, A>T on the plus strand (T>A on the coding strand, the complement: KCNH2 is on the minus strand). VCF-style: chr7-150959727-A-T. GRCh37 (hg19) VCF-style: chr7-150656815-A-T.
Other names: c.317T>A (LRG_288t1); c.29T>A, p.Phe10Tyr (NM_001406753.1, NM_001406756.1); c.140T>A, p.Phe47Tyr (NM_001406755.1); c.17T>A, p.Phe6Tyr (NM_001406757.1); c.317T>A, p.Phe106Tyr (NM_172056.3); short protein forms F106Y, F47Y, F10Y, F6Y.
Identifiers: ClinVar variation 67477 (VCV000067477.3), dbSNP rs199472858, ClinGen allele CA008078.

ClinVar aggregate classification (germline): not provided (0 of 4 stars; one submission).

Conditions:
Familial long QT syndrome (RWS). Also called: Congenital long QT syndrome; Romano-Ward syndrome; VENTRICULAR FIBRILLATION WITH PROLONGED QT INTERVAL. Identifiers: Orphanet 768, MedGen C1141890, MONDO:0019171.

Submission:

Cardiovascular Biomedical Research Unit, Royal Brompton & Harefield NHS Foundation Trust
No classification provided. Condition: Familial long QT syndrome. Review status: no classification provided. Collection method: literature only. Allele origin: germline.
Comment: This variant has been reported as associated with Long QT syndrome in the following publications (PMID:19716085). This is a literature report, and does not necessarily reflect the clinical interpretation of the Imperial College / Royal Brompton Cardiovascular Genetics laboratory.

Literature cited by the submitters: PubMed 19716085; PubMed 22581653.